The following is an entry in ClinVar:

NM_006531.5(IFT88):c.625G>A (p.Val209Ile)

Gene: IFT88 (intraflagellar transport 88; plus strand). Cytogenetic location: 13q12.11.
Variant type: single nucleotide variant.
Coding change: c.625G>A on transcript NM_006531.5 (MANE Select); coding-DNA position 625, G replaced by A.
Protein change: p.Val209Ile; replaces valine 209 with isoleucine.
Molecular consequence: missense variant. On other transcripts: 5 prime UTR variant (1), non-coding transcript variant (5).
Genome position (GRCh38, 1-based): chr13:20,598,681, G>A. VCF-style: chr13-20598681-G-A. GRCh37 (hg19) VCF-style: chr13-21172820-G-A.
Other names: c.652G>A (NM_175605.4); c.568G>A, p.Val190Ile (NM_001318491.2, NM_001353573.2, NM_001353574.2 and 1 more transcripts); c.652G>A, p.Val218Ile (NM_001318493.2, NM_001353565.2, NM_001353566.2 and 6 more transcripts); c.625G>A, p.Val209Ile (NM_001353568.2, NM_001353571.2, NM_001353572.2 and 1 more transcripts); c.-9G>A (NM_001353579.2); short protein forms V190I, V209I, V218I.
Identifiers: ClinVar variation 1909663 (VCV001909663.6), dbSNP rs1255600604, ClinGen allele CA387472991.
Genomic context (GRCh38, chr13:20,598,681, plus strand): 5'-GTGTCTTTTCTATAATATTTTCTTCCTTAGGTTCTTTTCAATTTGGCCAGTCAGTATTCA[G>A]TTAATGAAATGTATGCCGAAGCACTTAACACTTATCAAGTTATAGTCAAAAATAAGATGT-3'
Protein context (NP_006522.2, residues 199-219): VLFNLASQYS[Val209Ile]NEMYAEALNT

ClinVar aggregate classification (germline): Uncertain significance. Review status: criteria provided, multiple submitters, no conflicts (2 of 4 stars). 2 submissions from 2 submitters: Uncertain significance (2). Last evaluated 2026-01-05.

Conditions:
IFT88-related disorder. Also called: IFT88-related condition.

Allele frequency attached by ClinVar (database versions not stated): TOPMed 0.00001.
gnomAD v4.1: 6 of 1,611,086 alleles (0.00037%); highest among the groups gnomAD compares: Admixed American, 0.005%; no homozygotes.

Submissions (2):

PreventionGenetics, part of Exact Sciences
Classification: Uncertain significance for IFT88-related condition. Last evaluated: 2026-01-05. Review status: criteria provided, single submitter. Criteria: ACMG Guidelines, 2015. Collection method: clinical testing. Allele origin: germline.
Comment: The IFT88 c.652G>A variant is predicted to result in the amino acid substitution p.Val218Ile. To our knowledge, this variant has not been reported in the literature. This variant is reported in 0.0087% of alleles in individuals of Latino descent in gnomAD. At this time, the clinical significance of this variant is uncertain due to the absence of conclusive functional and genetic evidence.

Labcorp Genetics (formerly Invitae), Labcorp
Classification: Uncertain significance. Last evaluated: 2025-10-07. Review status: criteria provided, single submitter. Criteria: Invitae Variant Classification Sherloc (09022015). Collection method: clinical testing. Allele origin: germline.
Comment: This sequence change replaces valine, which is neutral and non-polar, with isoleucine, which is neutral and non-polar, at codon 218 of the IFT88 protein (p.Val218Ile). This variant is present in population databases (no rsID available, gnomAD 0.009%). This variant has not been reported in the literature in individuals affected with IFT88-related conditions. ClinVar contains an entry for this variant (Variation ID: 1909663). An algorithm developed to predict the effect of missense changes on protein structure and function (PolyPhen-2) suggests that this variant is likely to be tolerated. In summary, the available evidence is currently insufficient to determine the role of this variant in disease. Therefore, it has been classified as a Variant of Uncertain Significance.